The following is an entry in ClinVar:

ClinVar aggregate classification (germline): Likely pathogenic (1 of 4 stars; one submission).

Conditions:
CEP164-related disorder. Also called: CEP164-related condition.

Submission:

PreventionGenetics, part of Exact Sciences
Classification: Likely pathogenic for CEP164-related condition. Last evaluated: 2025-03-19. Review status: criteria provided, single submitter. Criteria: ACMG Guidelines, 2015. Collection method: clinical testing. Allele origin: germline.
Comment: The CEP164 c.3089+1G>T variant is predicted to disrupt the GT donor site and interfere with normal splicing. To our knowledge, this variant has not been reported in the literature or in a large population database (gnomAD), indicating this variant is rare. Variants that disrupt the consensus splice donor site in CEP164 are an established mechanism of disease. This variant is interpreted as likely pathogenic.

NM_014956.5(CEP164):c.3089+1G>T

Gene: CEP164 (centrosomal protein 164; plus strand). Cytogenetic location: 11q23.3.
Variant type: single nucleotide variant.
Coding change: c.3089+1G>T on transcript NM_014956.5 (MANE Select); the canonical splice donor site of the intron after coding-DNA position 3089, G replaced by T.
Molecular consequence: splice donor variant.
Genome position (GRCh38, 1-based): chr11:117,395,723, G>T. VCF-style: chr11-117395723-G-T. GRCh37 (hg19) VCF-style: chr11-117266439-G-T.
Other names: c.3098+1G>T (NM_001271933.2, NM_001440949.1); c.2930+1G>T (NM_001440972.1); c.2951+1G>T (NM_001440967.1, NM_001440961.1); c.3002+1G>T (NM_001440956.1, NM_001440957.1); c.3089+1G>T (NM_001440950.1, NM_001440953.1, NM_001440951.1); c.2942+1G>T (NM_001440962.1, NM_001440970.1, NM_001440964.1 and 4 more transcripts); c.2732+1G>T (NM_001440990.1, NM_001440984.1); c.2924+1G>T (NM_001440952.1, NM_001440968.1, NM_001440969.1); and 7 more.
Identifiers: ClinVar variation 4997759 (VCV004997759.1).